The following is an entry in ClinVar:

ClinVar aggregate classification (germline): Likely benign (1 of 4 stars; one submission).

Conditions:
DCDC2-related disorder. Also called: DCDC2-related condition.

gnomAD v4.1: 1 of 1,612,932 alleles (0.000062%); highest among the groups gnomAD compares: African/African-American, 0.0013%; no homozygotes.

Submission:

PreventionGenetics, part of Exact Sciences
Classification: Likely benign for DCDC2-related condition. Last evaluated: 2025-05-28. Review status: criteria provided, single submitter. Criteria: ACMG Guidelines, 2015. Collection method: clinical testing. Allele origin: germline.
Comment: This variant is classified as likely benign based on ACMG/AMP sequence variant interpretation guidelines (Richards et al. 2015 PMID: 25741868, with internal and published modifications).

NM_016356.5(DCDC2):c.171A>C (p.Ala57=)

Genes: DCDC2 (doublecortin domain containing 2; minus strand), KAAG1 (kidney associated DCDC2 antisense RNA 1; plus strand). Cytogenetic location: 6p22.3.
Variant type: single nucleotide variant.
Coding change: c.171A>C on transcript NM_016356.5 (MANE Select); coding-DNA position 171, A replaced by C.
Protein change: p.Ala57=; no amino-acid change (alanine 57 retained).
Molecular consequence: synonymous variant. On other transcripts: non-coding transcript variant (1).
Genome position (GRCh38, 1-based): chr6:24,357,580, T>G on the plus strand (A>C on the coding strand, the complement: DCDC2 is on the minus strand). VCF-style: chr6-24357580-T-G. GRCh37 (hg19) VCF-style: chr6-24357808-T-G.
Other names: c.171A>C, p.Ala57= (NM_001195610.2).
Identifiers: ClinVar variation 5001446 (VCV005001446.1).